The following is an entry in ClinVar:

NM_176869.3(PPA2):c.824G>C (p.Trp275Ser)

Gene: PPA2 (inorganic pyrophosphatase 2; minus strand). Cytogenetic location: 4q24.
Variant type: single nucleotide variant.
Coding change: c.824G>C on transcript NM_176869.3 (MANE Select); coding-DNA position 824, G replaced by C.
Protein change: p.Trp275Ser; replaces tryptophan 275 with serine.
Molecular consequence: missense variant.
Genome position (GRCh38, 1-based): chr4:105,396,294, C>G on the plus strand (G>C on the coding strand, the complement: PPA2 is on the minus strand). VCF-style: chr4-105396294-C-G. GRCh37 (hg19) VCF-style: chr4-106317451-C-G.
Other names: c.737G>C, p.Trp246Ser (NM_006903.4); c.518G>C, p.Trp173Ser (NM_176866.2); c.326G>C, p.Trp109Ser (NM_176867.3); short protein forms W109S, W173S, W246S, W275S.
Identifiers: ClinVar variation 1962646 (VCV001962646.5), dbSNP rs745968935, ClinGen allele CA3032407.

ClinVar aggregate classification (germline): Uncertain significance (1 of 4 stars; one submission).

Allele frequency attached by ClinVar (database versions not stated): TOPMed below 0.00001; ExAC 0.00001.

Submission:

Labcorp Genetics (formerly Invitae), Labcorp
Classification: Uncertain significance. Last evaluated: 2021-12-02. Review status: criteria provided, single submitter. Criteria: Invitae Variant Classification Sherloc (09022015). Collection method: clinical testing. Allele origin: germline.
Comment: This sequence change replaces tryptophan, which is neutral and slightly polar, with serine, which is neutral and polar, at codon 275 of the PPA2 protein (p.Trp275Ser). This variant is present in population databases (rs745968935, gnomAD 0.003%). This variant has not been reported in the literature in individuals affected with PPA2-related conditions. Algorithms developed to predict the effect of missense changes on protein structure and function (SIFT, PolyPhen-2, Align-GVGD) all suggest that this variant is likely to be disruptive. In summary, the available evidence is currently insufficient to determine the role of this variant in disease. Therefore, it has been classified as a Variant of Uncertain Significance.